The following is an entry in ClinVar:

NM_000642.3(AGL):c.4524_4525delinsAA (p.Gln1509Lys)

Gene: AGL (amylo-alpha-1,6-glucosidase and 4-alpha-glucanotransferase; plus strand). Cytogenetic location: 1p21.2.
Variant type: Indel.
Coding change: c.4524_4525delinsAA on transcript NM_000642.3 (MANE Select); coding-DNA positions 4524 to 4525, CC replaced by AA.
Protein change: p.Gln1509Lys; replaces glutamine 1509 with lysine.
Molecular consequence: missense variant.
Genome position (GRCh38, 1-based): chr1:99,921,576-99,921,577, CC replaced by AA. VCF-style: chr1-99921576-CC-AA. GRCh37 (hg19) VCF-style: chr1-100387132-CC-AA.
Other names: c.4524_4525delCCinsAA, p.Gln1509Lys (NM_000028.3, NM_000643.3, NM_001425325.1 and 1 more transcripts); c.4503_4504delCCinsAA, p.Gln1502Lys (NM_001425326.1); c.4323_4324delCCinsAA, p.Gln1442Lys (NM_001425327.1); c.4476_4477delCCinsAA, p.Gln1493Lys (NM_000646.3); c.4320_4321delCCinsAA, p.Gln1441Lys (NM_001425328.1); c.4185_4186delCCinsAA, p.Gln1396Lys (NM_001425329.1); c.4146_4147delCCinsAA, p.Gln1383Lys (NM_001425332.1); short protein forms Q1509K, Q1493K, Q1383K, Q1396K, Q1441K, Q1442K, Q1502K.
Identifiers: ClinVar variation 2042566 (VCV002042566.3), dbSNP rs2523916504, ClinGen allele CA2580063478.

ClinVar aggregate classification (germline): Uncertain significance (1 of 4 stars; one submission).

Conditions:
Glycogen storage disease type III (GSD3). Also called: FORBES DISEASE; Cori disease. Identifiers: Orphanet 366, MedGen C0017922, MONDO:0009291, OMIM 232400.

Submission:

Labcorp Genetics (formerly Invitae), Labcorp
Classification: Uncertain significance for Glycogen storage disease type III. Last evaluated: 2024-04-01. Review status: criteria provided, single submitter. Criteria: Invitae Variant Classification Sherloc (09022015). Collection method: clinical testing. Allele origin: germline.
Comment: This sequence change replaces glutamine, which is neutral and polar, with lysine, which is basic and polar, at codon 1509 of the AGL protein (p.Gln1509Lys). Information on the frequency of this variant in the gnomAD database is not available, as this variant may be reported differently in the database. This variant has not been reported in the literature in individuals affected with AGL-related conditions. ClinVar contains an entry for this variant (Variation ID: 2042566). Experimental studies and prediction algorithms are not available or were not evaluated, and the functional significance of this variant is currently unknown. In summary, the available evidence is currently insufficient to determine the role of this variant in disease. Therefore, it has been classified as a Variant of Uncertain Significance.